The following is an entry in ClinVar:

ClinVar aggregate classification (germline): Uncertain significance (1 of 4 stars; one submission).

Conditions:
Inborn genetic diseases. Identifiers: MedGen C0950123, MeSH D030342.

Submission:

Ambry Genetics
Classification: Uncertain significance for Inborn genetic diseases. Last evaluated: 2023-11-02. Review status: criteria provided, single submitter. Criteria: Ambry Variant Classification Scheme 2023. Collection method: clinical testing. Allele origin: germline.
Comment: The p.L1473P variant (also known as c.4418T>C), located in coding exon 31 of the LRRK2 gene, results from a T to C substitution at nucleotide position 4418. The leucine at codon 1473 is replaced by proline, an amino acid with similar properties. This amino acid position is conserved. In addition, this alteration is predicted to be deleterious by in silico analysis. Since supporting evidence is limited at this time, the clinical significance of this alteration remains unclear.

NM_198578.4(LRRK2):c.4418T>C (p.Leu1473Pro)

Gene: LRRK2 (leucine rich repeat kinase 2; plus strand). Cytogenetic location: 12q12.
Variant type: single nucleotide variant.
Coding change: c.4418T>C on transcript NM_198578.4 (MANE Select); coding-DNA position 4418, T replaced by C.
Protein change: p.Leu1473Pro; replaces leucine 1473 with proline.
Molecular consequence: missense variant.
Genome position (GRCh38, 1-based): chr12:40,310,531, T>C. VCF-style: chr12-40310531-T-C. GRCh37 (hg19) VCF-style: chr12-40704333-T-C.
Other names: short protein forms L1473P.
Identifiers: ClinVar variation 3229650 (VCV003229650.1), dbSNP rs2499827561, ClinGen allele CA384418467.